The following is an entry in ClinVar:

NM_001267550.2(TTN):c.16063A>G (p.Ile5355Val)

Gene: TTN (titin; minus strand). Cytogenetic location: 2q31.2.
Variant type: single nucleotide variant.
Coding change: c.16063A>G on transcript NM_001267550.2 (MANE Select); coding-DNA position 16063, A replaced by G.
Protein change: p.Ile5355Val; replaces isoleucine 5355 with valine.
Molecular consequence: missense variant. On other transcripts: intron variant (3).
Genome position (GRCh38, 1-based): chr2:178,733,113, T>C on the plus strand (A>G on the coding strand, the complement: TTN is on the minus strand). VCF-style: chr2-178733113-T-C. GRCh37 (hg19) VCF-style: chr2-179597840-T-C.
Other names: c.15112A>G, p.Ile5038Val (NM_001256850.1); c.12331A>G, p.Ile4111Val (NM_133378.4); c.13282+4969A>G (NM_003319.4); c.13858+4969A>G (NM_133437.4); c.13657+4969A>G (NM_133432.3); short protein forms I4111V, I5355V, I5038V.
Identifiers: ClinVar variation 192028 (VCV000192028.1), dbSNP rs770774613, ClinGen allele CA238138.

ClinVar aggregate classification (germline): Uncertain significance (1 of 4 stars; one submission).

Allele frequency attached by ClinVar (database versions not stated): gnomAD 0.00001; gnomAD exomes 0.00001 and 0.00003; TOPMed 0.00001; ExAC 0.00002.
gnomAD v4.1: 5 of 1,588,592 alleles (0.00031%); highest among the groups gnomAD compares: East Asian, 0.011%; no homozygotes.

Submission:

Biesecker Lab/Clinical Genomics Section, National Institutes of Health
Classification: Uncertain significance. Last evaluated: 2013-06-24. Review status: criteria provided, single submitter. Criteria: Ng et al. (Circ Cardiovasc Genet. 2013). Collection method: research. Allele origin: unknown. Observed: 1 variant allele. Study: ClinSeq.
Comment: The study set was not selected for affection status in relation to any cancer. Pathogenicity categories were based on literature curation. See Pubmed ID:23861362 for details.

Medical sequencing